The following is an entry in ClinVar:

ClinVar aggregate classification (germline): Benign. Review status: criteria provided, multiple submitters, no conflicts (2 of 4 stars). 3 submissions from 3 submitters: Benign (2). 1 of the submissions does not count toward it. Last evaluated 2018-05-14.

Conditions:
PROZ-related disorder. Also called: PROZ-related condition.

Allele frequency attached by ClinVar (database versions not stated): gnomAD exomes 0.00036 and 0.00118; ExAC 0.00149; gnomAD 0.00421 and 0.00459; TOPMed 0.00489; 1000 Genomes Project 0.00519; 1000 Genomes Project 30x 0.00531; ESP Exome Variant Server 0.00546.
gnomAD v4.1: 1,216 of 1,612,654 alleles (0.075%); highest among the groups gnomAD compares: African/African-American, 1.4%; 12 homozygotes.

Submissions (3):

Labcorp Genetics (formerly Invitae), Labcorp
Classification: Benign. Last evaluated: 2018-05-14. Review status: criteria provided, single submitter. Criteria: Invitae Variant Classification Sherloc (09022015). Collection method: clinical testing. Allele origin: germline.

Breakthrough Genomics
Classification: Benign. Review status: criteria provided, single submitter. Criteria: ACMG Guidelines, 2015. Collection method: not provided. Allele origin: germline. Inheritance: Unknown mechanism. Affected: yes.

PreventionGenetics, part of Exact Sciences
Classification: Benign for PROZ-related condition. Last evaluated: 2020-01-20. Review status: no assertion criteria provided. Collection method: clinical testing. Allele origin: germline. Not counted in ClinVar's aggregate classification.
Comment: This variant is classified as benign based on ACMG/AMP sequence variant interpretation guidelines (Richards et al. 2015 PMID: 25741868, with internal and published modifications).

NM_003891.3(PROZ):c.871C>T (p.Leu291Phe)

Genes: PCID2 (PCI domain containing 2; minus strand), PROZ (protein Z, vitamin K dependent plasma glycoprotein; plus strand). Cytogenetic location: 13q34.
Variant type: single nucleotide variant.
Coding change: c.871C>T on transcript NM_003891.3 (MANE Select); coding-DNA position 871, C replaced by T.
Protein change: p.Leu291Phe; replaces leucine 291 with phenylalanine.
Molecular consequence: missense variant.
Genome position (GRCh38, 1-based): chr13:113,171,773, C>T. VCF-style: chr13-113171773-C-T. GRCh37 (hg19) VCF-style: chr13-113826087-C-T.
Other names: c.937C>T, p.Leu313Phe (NM_001256134.2); short protein forms L291F, L313F.
Identifiers: ClinVar variation 722302 (VCV000722302.6), dbSNP rs114412052, ClinGen allele CA7061134.